The following is an entry in ClinVar:

NM_001145252.3(CFP):c.475C>T (p.Arg159Cys)

Gene: CFP (complement factor properdin; minus strand). Cytogenetic location: Xp11.23.
Variant type: single nucleotide variant.
Coding change: c.475C>T on transcript NM_001145252.3 (MANE Select); coding-DNA position 475, C replaced by T.
Protein change: p.Arg159Cys; replaces arginine 159 with cysteine.
Molecular consequence: missense variant.
Genome position (GRCh38, 1-based): chrX:47,627,570, G>A on the plus strand (C>T on the coding strand, the complement: CFP is on the minus strand). VCF-style: chrX-47627570-G-A. GRCh37 (hg19) VCF-style: chrX-47486969-G-A.
Other names: c.475C>T, p.Arg159Cys (NM_002621.2); short protein forms R159C.
Identifiers: ClinVar variation 1475060 (VCV001475060.11), dbSNP rs1454386310, ClinGen allele CA412838718.

ClinVar aggregate classification (germline): Uncertain significance. Review status: criteria provided, multiple submitters, no conflicts (2 of 4 stars). 4 submissions from 4 submitters: Uncertain significance (4). Last evaluated 2026-08-17.

Conditions:
CFP-related disorder. Also called: CFP-related condition.
Inborn genetic diseases. Identifiers: MedGen C0950123, MeSH D030342.

Allele frequency attached by ClinVar (database versions not stated): gnomAD exomes 0.00001; TOPMed 0.00001; gnomAD 0.00001.
gnomAD v4.1: 15 of 1,203,558 alleles (0.0012%); highest among the groups gnomAD compares: Non-Finnish European, 0.0017%; no homozygotes.

Submissions (4):

Ambry Genetics
Classification: Uncertain significance for Inborn genetic diseases. Last evaluated: 2026-08-17. Review status: criteria provided, single submitter. Criteria: Ambry Variant Classification Scheme 2023. Collection method: clinical testing. Allele origin: germline.

PreventionGenetics, part of Exact Sciences
Classification: Uncertain significance for CFP-related condition. Last evaluated: 2024-12-02. Review status: criteria provided, single submitter. Criteria: ACMG Guidelines, 2015. Collection method: clinical testing. Allele origin: germline.
Comment: The CFP c.475C>T variant is predicted to result in the amino acid substitution p.Arg159Cys. To our knowledge, this variant has not been reported in the literature or in a large population database (gnomAD), indicating this variant is rare. At this time, the clinical significance of this variant is uncertain due to the absence of conclusive functional and genetic evidence.

Labcorp Genetics (formerly Invitae), Labcorp
Classification: Uncertain significance. Last evaluated: 2024-11-24. Review status: criteria provided, single submitter. Criteria: Invitae Variant Classification Sherloc (09022015). Collection method: clinical testing. Allele origin: germline.
Comment: This sequence change replaces arginine, which is basic and polar, with cysteine, which is neutral and slightly polar, at codon 159 of the CFP protein (p.Arg159Cys). This variant is not present in population databases (gnomAD no frequency). This variant has not been reported in the literature in individuals affected with CFP-related conditions. ClinVar contains an entry for this variant (Variation ID: 1475060). Invitae Evidence Modeling of protein sequence and biophysical properties (such as structural, functional, and spatial information, amino acid conservation, physicochemical variation, residue mobility, and thermodynamic stability) indicates that this missense variant is expected to disrupt CFP protein function with a positive predictive value of 80%. In summary, the available evidence is currently insufficient to determine the role of this variant in disease. Therefore, it has been classified as a Variant of Uncertain Significance.

Blueprint Genetics
Classification: Uncertain significance. Last evaluated: 2024-03-06. Review status: criteria provided, single submitter. Criteria: ACMG Guidelines, 2015. Collection method: clinical testing. Allele origin: germline.